The following is an entry in ClinVar:

NM_001184.4(ATR):c.3337A>G (p.Ile1113Val)

Gene: ATR (ATR checkpoint kinase; minus strand). Cytogenetic location: 3q23.
Variant type: single nucleotide variant.
Coding change: c.3337A>G on transcript NM_001184.4 (MANE Select); coding-DNA position 3337, A replaced by G.
Protein change: p.Ile1113Val; replaces isoleucine 1113 with valine.
Molecular consequence: missense variant.
Genome position (GRCh38, 1-based): chr3:142,547,745, T>C on the plus strand (A>G on the coding strand, the complement: ATR is on the minus strand). VCF-style: chr3-142547745-T-C. GRCh37 (hg19) VCF-style: chr3-142266587-T-C.
Other names: c.3145A>G, p.Ile1049Val (NM_001354579.2); short protein forms I1049V, I1113V.
Identifiers: ClinVar variation 1730361 (VCV001730361.3), dbSNP rs756443045, ClinGen allele CA2650153.

ClinVar aggregate classification (germline): Uncertain significance (1 of 4 stars; one submission).

Conditions:
Inborn genetic diseases. Identifiers: MedGen C0950123, MeSH D030342.

Allele frequency attached by ClinVar (database versions not stated): gnomAD exomes below 0.00001; ExAC 0.00001.
gnomAD v4.1: 1 of 1,613,928 alleles (0.000062%); highest among the groups gnomAD compares: Non-Finnish European, 0.000085%; no homozygotes.

Submission:

Ambry Genetics
Classification: Uncertain significance for Inborn genetic diseases. Last evaluated: 2024-09-18. Review status: criteria provided, single submitter. Criteria: Ambry Variant Classification Scheme 2023. Collection method: clinical testing. Allele origin: germline.
Comment: The p.I1113V variant (also known as c.3337A>G), located in coding exon 16 of the ATR gene, results from an A to G substitution at nucleotide position 3337. The isoleucine at codon 1113 is replaced by valine, an amino acid with highly similar properties. This amino acid position is conserved. In addition, this alteration is predicted to be tolerated by in silico analysis. Since supporting evidence is limited at this time, the clinical significance of this alteration remains unclear.